The following is an entry in ClinVar:

ClinVar aggregate classification (germline): Uncertain significance (1 of 4 stars; one submission).

Conditions:
Landau-Kleffner syndrome (FESD). Also called: EPILEPSY, FOCAL, WITH SPEECH DISORDER AND WITH OR WITHOUT MENTAL RETARDATION; APHASIA, ACQUIRED, WITH EPILEPSY. Identifiers: Orphanet 1945, Orphanet 725, Orphanet 98818, MedGen C0282512, MONDO:0009509, OMIM 245570.

Allele frequency attached by ClinVar (database versions not stated): gnomAD exomes below 0.00001.
gnomAD v4.1: 4 of 1,614,156 alleles (0.00025%); highest among the groups gnomAD compares: Non-Finnish European, 0.00034%; no homozygotes.

Submission:

Labcorp Genetics (formerly Invitae), Labcorp
Classification: Uncertain significance for Landau-Kleffner syndrome. Last evaluated: 2023-10-09. Review status: criteria provided, single submitter. Criteria: Invitae Variant Classification Sherloc (09022015). Collection method: clinical testing. Allele origin: germline.
Comment: This sequence change replaces leucine, which is neutral and non-polar, with phenylalanine, which is neutral and non-polar, at codon 1401 of the GRIN2A protein (p.Leu1401Phe). This variant is not present in population databases (gnomAD no frequency). This variant has not been reported in the literature in individuals affected with GRIN2A-related conditions. Advanced modeling of protein sequence and biophysical properties (such as structural, functional, and spatial information, amino acid conservation, physicochemical variation, residue mobility, and thermodynamic stability) performed at Invitae indicates that this missense variant is not expected to disrupt GRIN2A protein function. In summary, the available evidence is currently insufficient to determine the role of this variant in disease. Therefore, it has been classified as a Variant of Uncertain Significance.

NM_001134407.3(GRIN2A):c.4201C>T (p.Leu1401Phe)

Gene: GRIN2A (glutamate ionotropic receptor NMDA type subunit 2A; minus strand). Cytogenetic location: 16p13.2.
Variant type: single nucleotide variant.
Coding change: c.4201C>T on transcript NM_001134407.3 (MANE Select); coding-DNA position 4201, C replaced by T.
Protein change: p.Leu1401Phe; replaces leucine 1401 with phenylalanine.
Molecular consequence: missense variant. On other transcripts: 3 prime UTR variant (1).
Genome position (GRCh38, 1-based): chr16:9,763,343, G>A on the plus strand (C>T on the coding strand, the complement: GRIN2A is on the minus strand). VCF-style: chr16-9763343-G-A. GRCh37 (hg19) VCF-style: chr16-9857200-G-A.
Other names: c.4201C>T, p.Leu1401Phe (NM_000833.5); c.*12C>T (NM_001134408.2); short protein forms L1401F.
Identifiers: ClinVar variation 2827794 (VCV002827794.3), dbSNP rs2141125596, ClinGen allele CA394705789.